The following is an entry in ClinVar:

ClinVar aggregate classification (germline): Uncertain significance. Review status: criteria provided, multiple submitters, no conflicts (2 of 4 stars). 2 submissions from 2 submitters: Uncertain significance (2). Last evaluated 2024-10-09.

Conditions:
Inborn genetic diseases. Identifiers: MedGen C0950123, MeSH D030342.

Allele frequency attached by ClinVar (database versions not stated): gnomAD 0.00005; TOPMed 0.00006.
gnomAD v4.1: 18 of 1,610,766 alleles (0.0011%); highest among the groups gnomAD compares: African/African-American, 0.02%; no homozygotes.

Submissions (2):

Ambry Genetics
Classification: Uncertain significance for Inborn genetic diseases. Last evaluated: 2024-10-09. Review status: criteria provided, single submitter. Criteria: Ambry Variant Classification Scheme 2023. Collection method: clinical testing. Allele origin: germline.

GeneDx
Classification: Uncertain significance. Last evaluated: 2022-12-27. Review status: criteria provided, single submitter. Criteria: GeneDx Variant Classification Process June 2021. Collection method: clinical testing. Allele origin: germline. Affected: yes.
Comment: In silico analysis supports that this missense variant has a deleterious effect on protein structure/function; Has not been previously published as pathogenic or benign to our knowledge

NM_005559.4(LAMA1):c.2141G>A (p.Gly714Asp)

Gene: LAMA1 (laminin subunit alpha 1; minus strand). Cytogenetic location: 18p11.31.
Variant type: single nucleotide variant.
Coding change: c.2141G>A on transcript NM_005559.4 (MANE Select); coding-DNA position 2141, G replaced by A.
Protein change: p.Gly714Asp; replaces glycine 714 with aspartic acid.
Molecular consequence: missense variant.
Genome position (GRCh38, 1-based): chr18:7,033,006, C>T on the plus strand (G>A on the coding strand, the complement: LAMA1 is on the minus strand). VCF-style: chr18-7033006-C-T. GRCh37 (hg19) VCF-style: chr18-7033005-C-T.
Other names: short protein forms G714D.
Identifiers: ClinVar variation 2507073 (VCV002507073.2), dbSNP rs994488844, ClinGen allele CA295754907.